The following is an entry in ClinVar:

NM_182914.3(SYNE2):c.1253A>T (p.Gln418Leu)

Gene: SYNE2 (spectrin repeat containing nuclear envelope protein 2; plus strand). Cytogenetic location: 14q23.2.
Variant type: single nucleotide variant.
Coding change: c.1253A>T on transcript NM_182914.3 (MANE Select); coding-DNA position 1253, A replaced by T.
Protein change: p.Gln418Leu; replaces glutamine 418 with leucine.
Molecular consequence: missense variant.
Genome position (GRCh38, 1-based): chr14:63,976,687, A>T. VCF-style: chr14-63976687-A-T. GRCh37 (hg19) VCF-style: chr14-64443405-A-T.
Other names: c.1253A>T, p.Gln418Leu (NM_015180.6); short protein forms Q418L.
Identifiers: ClinVar variation 3724250 (VCV003724250.2).

ClinVar aggregate classification (germline): Uncertain significance (1 of 4 stars; one submission).

Conditions:
Emery-Dreifuss muscular dystrophy 5, autosomal dominant (EDMD5). Also called: EMERY-DREIFUSS MUSCULAR DYSTROPHY 5. Identifiers: Orphanet 261, MedGen C2751805, MONDO:0013072, OMIM 612999.

gnomAD v4.1: 1 of 1,612,720 alleles (0.000062%); highest among the groups gnomAD compares: Non-Finnish European, 0.000085%; no homozygotes.

Submission:

Labcorp Genetics (formerly Invitae), Labcorp
Classification: Uncertain significance for Emery-Dreifuss muscular dystrophy 5, autosomal dominant. Last evaluated: 2024-10-30. Review status: criteria provided, single submitter. Criteria: Invitae Variant Classification Sherloc (09022015). Collection method: clinical testing. Allele origin: germline.
Comment: This sequence change replaces glutamine, which is neutral and polar, with leucine, which is neutral and non-polar, at codon 418 of the SYNE2 protein (p.Gln418Leu). This variant is not present in population databases (gnomAD no frequency). This variant has not been reported in the literature in individuals affected with SYNE2-related conditions. An algorithm developed to predict the effect of missense changes on protein structure and function (PolyPhen-2) suggests that this variant is likely to be tolerated. In summary, the available evidence is currently insufficient to determine the role of this variant in disease. Therefore, it has been classified as a Variant of Uncertain Significance.